The following is an entry in ClinVar:

ClinVar aggregate classification (germline): Uncertain significance. Review status: criteria provided, multiple submitters, no conflicts (2 of 4 stars). 2 submissions from 2 submitters: Uncertain significance (2). Last evaluated 2025-02-22.

Conditions:
RASopathy. Also called: rasopathies; Noonan spectrum disorder. Identifiers: Orphanet 536391, MedGen C5555857, MONDO:0021060.

gnomAD v4.1: 1 of 1,614,134 alleles (0.000062%); highest among the groups gnomAD compares: Non-Finnish European, 0.000085%; no homozygotes.

Submissions (2):

Labcorp Genetics (formerly Invitae), Labcorp
Classification: Uncertain significance for RASopathy. Last evaluated: 2025-02-22. Review status: criteria provided, single submitter. Criteria: Invitae Variant Classification Sherloc (09022015). Collection method: clinical testing. Allele origin: germline.
Comment: This sequence change replaces glutamic acid, which is acidic and polar, with lysine, which is basic and polar, at codon 367 of the MAP2K1 protein (p.Glu367Lys). This variant is not present in population databases (gnomAD no frequency). This variant has not been reported in the literature in individuals affected with MAP2K1-related conditions. Invitae Evidence Modeling of protein sequence and biophysical properties (such as structural, functional, and spatial information, amino acid conservation, physicochemical variation, residue mobility, and thermodynamic stability) has been performed for this missense variant. However, the output from this modeling did not meet the statistical confidence thresholds required to predict the impact of this variant on MAP2K1 protein function. In summary, the available evidence is currently insufficient to determine the role of this variant in disease. Therefore, it has been classified as a Variant of Uncertain Significance.

Blueprint Genetics
Classification: Uncertain significance. Last evaluated: 2024-10-11. Review status: criteria provided, single submitter. Criteria: ACMG Guidelines, 2015. Collection method: clinical testing. Allele origin: germline.

NM_002755.4(MAP2K1):c.1099G>A (p.Glu367Lys)

Genes: MAP2K1 (mitogen-activated protein kinase kinase 1; plus strand), SNAPC5 (small nuclear RNA activating complex polypeptide 5; minus strand). Cytogenetic location: 15q22.31.
Variant type: single nucleotide variant.
Coding change: c.1099G>A on transcript NM_002755.4 (MANE Select); coding-DNA position 1099, G replaced by A.
Protein change: p.Glu367Lys; replaces glutamic acid 367 with lysine.
Molecular consequence: missense variant. On other transcripts: 3 prime UTR variant (1), non-coding transcript variant (1).
Genome position (GRCh38, 1-based): chr15:66,490,532, G>A. VCF-style: chr15-66490532-G-A. GRCh37 (hg19) VCF-style: chr15-66782870-G-A.
Other names: c.*207C>T (NM_006049.4); c.955G>A, p.Glu319Lys (NM_001411065.1); short protein forms E319K, E367K.
Identifiers: ClinVar variation 4715087 (VCV004715087.2).